The following is an entry in ClinVar:

ClinVar aggregate classification (germline): Uncertain significance. Review status: criteria provided, multiple submitters, no conflicts (2 of 4 stars). 2 submissions from 2 submitters: Uncertain significance (2). Last evaluated 2025-08-23.

Allele frequency attached by ClinVar (database versions not stated): ExAC 0.00001; 1000 Genomes Project 30x 0.00031; gnomAD 0.00022.

Submissions (2):

Ambry Genetics
Classification: Uncertain significance. Last evaluated: 2025-08-23. Review status: criteria provided, single submitter. Criteria: Ambry Variant Classification Scheme 2023. Collection method: clinical testing. Allele origin: germline.

Labcorp Genetics (formerly Invitae), Labcorp
Classification: Uncertain significance. Last evaluated: 2025-08-06. Review status: criteria provided, single submitter. Criteria: Invitae Variant Classification Sherloc (09022015). Collection method: clinical testing. Allele origin: germline.
Comment: This sequence change replaces valine, which is neutral and non-polar, with methionine, which is neutral and non-polar, at codon 317 of the GPR88 protein (p.Val317Met). This variant is present in population databases (rs772352894, gnomAD 0.006%). This variant has not been reported in the literature in individuals affected with GPR88-related conditions. ClinVar contains an entry for this variant (Variation ID: 2592113). An algorithm developed to predict the effect of missense changes on protein structure and function (PolyPhen-2) suggests that this variant is likely to be disruptive. In summary, the available evidence is currently insufficient to determine the role of this variant in disease. Therefore, it has been classified as a Variant of Uncertain Significance.

NM_022049.3(GPR88):c.949G>A (p.Val317Met)

Gene: GPR88 (G protein-coupled receptor 88; plus strand). Cytogenetic location: 1p21.2.
Variant type: single nucleotide variant.
Coding change: c.949G>A on transcript NM_022049.3 (MANE Select); coding-DNA position 949, G replaced by A.
Protein change: p.Val317Met; replaces valine 317 with methionine.
Molecular consequence: missense variant.
Genome position (GRCh38, 1-based): chr1:100,539,915, G>A. VCF-style: chr1-100539915-G-A. GRCh37 (hg19) VCF-style: chr1-101005471-G-A.
Other names: short protein forms V317M.
Identifiers: ClinVar variation 2592113 (VCV002592113.6), dbSNP rs772352894, ClinGen allele CA971139.
Genomic context (GRCh38, chr1:100,539,915, plus strand): 5'-ACGCAGCCACTGGTGTGGGTGAGCCTGGCCAGCGGCTTCTCGCTGCCGGTGCCCTGGGGA[G>A]TGCAGGCGGCCAGCTGGCTCCTGTGCTGCGCCCTGTCCGCGCTCAATCCGCTGCTCTACA-3'
Protein context (NP_071332.2, residues 307-327): SGFSLPVPWG[Val317Met]QAASWLLCCA